The following is an entry in ClinVar:

ClinVar aggregate classification (germline): Uncertain significance (1 of 4 stars; one submission).

Submission:

GeneDx
Classification: Uncertain significance. Last evaluated: 2020-10-12. Review status: criteria provided, single submitter. Criteria: GeneDx Variant Classification Process June 2021. Collection method: clinical testing. Allele origin: germline. Affected: yes.
Comment: Not observed in large population cohorts (Lek et al., 2016); In silico analysis supports that this missense variant has a deleterious effect on protein structure/function; Has not been previously published as pathogenic or benign to our knowledge

NM_001009944.3(PKD1):c.11207A>G (p.His3736Arg)

Genes: PKD1 (polycystin 1, transient receptor potential channel interacting; minus strand), PKD1-AS1 (PKD1 antisense RNA 1; plus strand). Cytogenetic location: 16p13.3.
Variant type: single nucleotide variant.
Coding change: c.11207A>G on transcript NM_001009944.3 (MANE Select); coding-DNA position 11207, A replaced by G.
Protein change: p.His3736Arg; replaces histidine 3736 with arginine.
Molecular consequence: missense variant.
Genome position (GRCh38, 1-based): chr16:2,092,542, T>C on the plus strand (A>G on the coding strand, the complement: PKD1 is on the minus strand). VCF-style: chr16-2092542-T-C. GRCh37 (hg19) VCF-style: chr16-2142543-T-C.
Other names: c.11204A>G, p.His3735Arg (NM_000296.4); short protein forms H3735R, H3736R.
Identifiers: ClinVar variation 1314567 (VCV001314567.2), dbSNP rs2151702137, ClinGen allele CA394336291.